The following is an entry in ClinVar:

ClinVar aggregate classification (germline): Uncertain significance (1 of 4 stars; one submission).

Submission:

Ambry Genetics
Classification: Uncertain significance. Last evaluated: 2024-07-07. Review status: criteria provided, single submitter. Criteria: Ambry Variant Classification Scheme 2023. Collection method: clinical testing. Allele origin: germline.
Comment: The p.A122P variant (also known as c.364G>C), located in coding exon 1 of the EGLN1 gene, results from a G to C substitution at nucleotide position 364. The alanine at codon 122 is replaced by proline, an amino acid with highly similar properties. This amino acid position is conserved. In addition, this alteration is predicted to be tolerated by in silico analysis. Based on the available evidence, the clinical significance of this variant remains unclear.

NM_022051.3(EGLN1):c.364G>C (p.Ala122Pro)

Gene: EGLN1 (egl-9 family hypoxia inducible factor 1; minus strand). Cytogenetic location: 1q42.2.
Variant type: single nucleotide variant.
Coding change: c.364G>C on transcript NM_022051.3 (MANE Select); coding-DNA position 364, G replaced by C.
Protein change: p.Ala122Pro; replaces alanine 122 with proline.
Molecular consequence: missense variant.
Genome position (GRCh38, 1-based): chr1:231,421,525, C>G on the plus strand (G>C on the coding strand, the complement: EGLN1 is on the minus strand). VCF-style: chr1-231421525-C-G. GRCh37 (hg19) VCF-style: chr1-231557271-C-G.
Other names: c.364G>C, p.Ala122Pro (NM_001377260.1, NM_001377261.1); short protein forms A122P.
Identifiers: ClinVar variation 3507209 (VCV003507209.1).
Genomic context (GRCh38, chr1:231,421,525, plus strand): 5'-CTTCGGCAGCCACCGCCGAGCCCTGGCCGCCGGCGGCCGCACGACACGGCGACGCGGCCG[C>G]CGCTGGGTCGGCCGGGGGCTTGGCCTTTACTTTTCCCTTGGCCGCGTCCCCGGAGGCGTT-3'
Protein context (NP_071334.1, residues 112-132): VKAKPPADPA[Ala122Pro]AASPCRAAAG